The following is an entry in ClinVar:

NM_020822.3(KCNT1):c.628G>A (p.Val210Met)

Gene: KCNT1 (potassium sodium-activated channel subfamily T member 1; plus strand). Cytogenetic location: 9q34.3.
Variant type: single nucleotide variant.
Coding change: c.628G>A on transcript NM_020822.3 (MANE Select); coding-DNA position 628, G replaced by A.
Protein change: p.Val210Met; replaces valine 210 with methionine.
Molecular consequence: missense variant.
Genome position (GRCh38, 1-based): chr9:135,757,183, G>A. VCF-style: chr9-135757183-G-A. GRCh37 (hg19) VCF-style: chr9-138649029-G-A.
Other names: c.484G>A, p.Val162Met (NM_001272003.2); short protein forms V162M, V210M.
Identifiers: ClinVar variation 4534142 (VCV004534142.6).
Genomic context (GRCh38, chr9:135,757,183, plus strand): 5'-TCGCCCCCGCTGATACCCCCCGTTTGGCCCCAGGGCAACATCTGGGAGCAGATCTTCCGC[G>A]TGTCCTTCGTCCTGGAGATGATCAACACTCTGCCCTTCATCATCACGGTGGGTGAGCCCC-3'
Protein context (NP_065873.2, residues 200-220): KGNIWEQIFR[Val210Met]SFVLEMINTL

ClinVar aggregate classification (germline): Likely benign (1 of 4 stars; one submission).

gnomAD v4.1: 9 of 1,604,134 alleles (0.00056%); highest among the groups gnomAD compares: Admixed American, 0.0017%; no homozygotes.

Submission:

CeGaT Center for Human Genetics Tuebingen
Classification: Likely benign. Last evaluated: 2025-11-01. Review status: criteria provided, single submitter. Criteria: CeGaT Center For Human Genetics Tuebingen Variant Classification Criteria Version 2. Collection method: clinical testing. Allele origin: germline. Affected: yes. Observed: 1 variant allele.
Comment: KCNT1: BS2